The following is an entry in ClinVar:

NM_000152.5(GAA):c.1192del (p.Leu398fs)

Gene: GAA (alpha glucosidase; plus strand). Cytogenetic location: 17q25.3.
Variant type: Deletion.
Coding change: c.1192del on transcript NM_000152.5 (MANE Select); coding-DNA position 1192, one base deleted (C; older notation c.1192delC).
Protein change: p.Leu398fs; shifts the reading frame from leucine 398.
Molecular consequence: frameshift variant.
Genome position (GRCh38, 1-based): chr17:80,108,605, C deleted; the last of 5 consecutive C bases (chr17:80,108,601-80,108,605); deleting any one gives the same sequence. VCF-style (leftmost placement, unchanged base first): chr17-80108600-TC-T. GRCh37 (hg19) VCF-style: chr17-78082399-TC-T.
Other names: c.1192del, p.Leu398fs (NM_001079803.3, NM_001079804.3); short protein forms L398fs.
Identifiers: ClinVar variation 870685 (VCV000870685.45), dbSNP rs1057516546, ClinGen allele CA628018372.

ClinVar aggregate classification (germline): Pathogenic. Review status: criteria provided, multiple submitters, no conflicts (2 of 4 stars). 3 submissions from 3 submitters: Pathogenic (3). Last evaluated 2026-07-01.

Conditions:
Glycogen storage disease, type II (IOPD). Also called: Glycogen storage disease type 2; Acid maltase deficiency disease; Aglucosidase alfa; Deficiency of alpha-glucosidase; Deficiency of lysosomal alpha-glucosidase; Glucosidase acid-1,4-alpha deficiency. Identifiers: Orphanet 365, MedGen C0017921, MONDO:0009290, OMIM 232300.

Submissions (3):

Genomenon, Inc
Classification: Pathogenic for Glycogen storage disease, type II. Last evaluated: 2026-07-01. Review status: criteria provided, single submitter. Criteria: Genomenon Sequence Variant Interpretation Standards - Updated. Collection method: curation. Allele origin: germline. Affected: yes.
Comment: GAA p.Leu398TrpfsTer42 (c.1192del) is a frameshift variant that is predicted to introduce a premature termination codon and result in a truncated or absent protein product. This variant has been observed in at least one proband with a GAA-related disorder (PMID:29149851). It is absent or not present at a significant frequency in gnomAD. In conclusion, we classify GAA p.Leu398TrpfsTer42 (c.1192del) as a pathogenic variant.

Labcorp Genetics (formerly Invitae), Labcorp
Classification: Pathogenic for Glycogen storage disease, type II. Last evaluated: 2023-03-18. Review status: criteria provided, single submitter. Criteria: Invitae Variant Classification Sherloc (09022015). Collection method: clinical testing. Allele origin: germline.
Comment: For these reasons, this variant has been classified as Pathogenic. ClinVar contains an entry for this variant (Variation ID: 870685). This premature translational stop signal has been observed in individual(s) with clinical features of GAA-related conditions (PMID: 29149851). This variant is not present in population databases (gnomAD no frequency). This sequence change creates a premature translational stop signal (p.Leu398Trpfs*42) in the GAA gene. It is expected to result in an absent or disrupted protein product. Loss-of-function variants in GAA are known to be pathogenic (PMID: 18425781, 22252923).

CeGaT Center for Human Genetics Tuebingen
Classification: Pathogenic. Last evaluated: 2019-07-01. Review status: criteria provided, single submitter. Criteria: CeGaT Center For Human Genetics Tuebingen Variant Classification Criteria Version 2. Collection method: clinical testing. Allele origin: germline. Affected: yes. Observed: 1 variant allele.

Literature cited by the submitters: PubMed 29149851 (cited by Genomenon, Inc and Labcorp Genetics (formerly Invitae), Labcorp); PubMed 18425781 (cited by Labcorp Genetics (formerly Invitae), Labcorp); PubMed 22252923 (cited by Labcorp Genetics (formerly Invitae), Labcorp).